The following is an entry in ClinVar:

NM_006096.4(NDRG1):c.635G>A (p.Arg212His)

Gene: NDRG1 (N-myc downstream regulated 1; minus strand). Cytogenetic location: 8q24.22.
Variant type: single nucleotide variant.
Coding change: c.635G>A on transcript NM_006096.4 (MANE Select); coding-DNA position 635, G replaced by A.
Protein change: p.Arg212His; replaces arginine 212 with histidine.
Molecular consequence: missense variant.
Genome position (GRCh38, 1-based): chr8:133,250,503, C>T on the plus strand (G>A on the coding strand, the complement: NDRG1 is on the minus strand). VCF-style: chr8-133250503-C-T. GRCh37 (hg19) VCF-style: chr8-134262746-C-T.
Other names: c.635G>A, p.Arg212His (NM_001135242.2, NM_001374845.1, NM_001374846.1); c.437G>A, p.Arg146His (NM_001258432.2, NM_001374847.1); c.392G>A, p.Arg131His (NM_001258433.2); c.686G>A, p.Arg229His (NM_001374844.1); short protein forms R131H, R146H, R212H, R229H.
Identifiers: ClinVar variation 917153 (VCV000917153.7), dbSNP rs931069567, ClinGen allele CA186372363.

ClinVar aggregate classification (germline): Uncertain significance. Review status: criteria provided, multiple submitters, no conflicts (2 of 4 stars). 3 submissions from 3 submitters: Uncertain significance (3). Last evaluated 2022-09-30.

Conditions:
Charcot-Marie-Tooth disease. Also called: Charcot-Marie-Tooth Neuropathy; Charcot-Marie-Tooth Hereditary Neuropathy. Identifiers: Orphanet 166, MedGen C0007959, MONDO:0015626.
Charcot-Marie-Tooth disease type 4. Also called: Charcot-Marie-Tooth disease, type IV; Charcot-Marie-Tooth, Type 4. Identifiers: Orphanet 64749, MedGen C4082197, MONDO:0018995.

Allele frequency attached by ClinVar (database versions not stated): gnomAD exomes below 0.00001 and 0.00001; gnomAD 0.00002; TOPMed 0.00004.
gnomAD v4.1: 14 of 1,613,908 alleles (0.00087%); highest among the groups gnomAD compares: South Asian, 0.0022%; no homozygotes.

Submissions (3):

Blueprint Genetics
Classification: Uncertain significance. Last evaluated: 2022-09-30. Review status: criteria provided, single submitter. Criteria: ACMG Guidelines, 2015. Collection method: clinical testing. Allele origin: germline.

Labcorp Genetics (formerly Invitae), Labcorp
Classification: Uncertain significance for Charcot-Marie-Tooth disease type 4. Last evaluated: 2021-09-01. Review status: criteria provided, single submitter. Criteria: Invitae Variant Classification Sherloc (09022015). Collection method: clinical testing. Allele origin: germline.
Comment: This sequence change replaces arginine with histidine at codon 212 of the NDRG1 protein (p.Arg212His). The arginine residue is highly conserved and there is a small physicochemical difference between arginine and histidine. This variant is not present in population databases (ExAC no frequency). This variant has not been reported in the literature in individuals affected with NDRG1-related conditions. Algorithms developed to predict the effect of missense changes on protein structure and function are either unavailable or do not agree on the potential impact of this missense change (SIFT: "Tolerated"; PolyPhen-2: "Probably Damaging"; Align-GVGD: "Class C0"). In summary, the available evidence is currently insufficient to determine the role of this variant in disease. Therefore, it has been classified as a Variant of Uncertain Significance.

Molecular Genetics Laboratory, London Health Sciences Centre
Classification: Uncertain significance for Charcot-Marie-Tooth disease. Review status: criteria provided, single submitter. Criteria: ACMG Guidelines, 2015. Collection method: clinical testing. Allele origin: germline. Affected: yes.